The following is an entry in ClinVar:

ClinVar aggregate classification (germline): Pathogenic (1 of 4 stars; one submission).

Conditions:
Hermansky-Pudlak syndrome 2 (HPS2). Also called: Platelet defects and oculocutaneous albinism. Identifiers: Orphanet 183678, Orphanet 79430, MedGen C1842362, MONDO:0011997, OMIM 608233.

Submission:

Labcorp Genetics (formerly Invitae), Labcorp
Classification: Pathogenic for Hermansky-Pudlak syndrome 2. Last evaluated: 2025-11-04. Review status: criteria provided, single submitter. Criteria: Invitae Variant Classification Sherloc (09022015). Collection method: clinical testing. Allele origin: germline.
Comment: This sequence change creates a premature translational stop signal (p.Pro892Hisfs*4) in the AP3B1 gene. It is expected to result in an absent or disrupted protein product. Loss-of-function variants in AP3B1 are known to be pathogenic (PMID: 16507770, 23403622). This variant is not present in population databases (gnomAD no frequency). This variant has not been reported in the literature in individuals affected with AP3B1-related conditions. ClinVar contains an entry for this variant (Variation ID: 2717774). For these reasons, this variant has been classified as Pathogenic.

Literature cited by the submitters: PubMed 16507770; PubMed 23403622.

NM_003664.5(AP3B1):c.2675_2679del (p.Pro892fs)

Gene: AP3B1 (adaptor related protein complex 3 subunit beta 1; minus strand). Cytogenetic location: 5q14.1.
Variant type: Deletion.
Coding change: c.2675_2679del on transcript NM_003664.5 (MANE Select); coding-DNA positions 2675 to 2679, 5 bases deleted (CTTGC; older notation c.2675_2679delCTTGC).
Protein change: p.Pro892fs; shifts the reading frame from proline 892.
Molecular consequence: frameshift variant.
Genome position (GRCh38, 1-based): chr5:78,039,173-78,039,177, GCAAG deleted on the plus strand (CTTGC on the coding strand, the reverse complement: AP3B1 is on the minus strand); deleting any 5 consecutive bases within chr5:78,039,173-78,039,179 gives the same sequence; the c. name uses the placement nearest the transcript's 3' end. VCF-style (leftmost placement, unchanged base first): chr5-78039172-TGCAAG-T. GRCh37 (hg19) VCF-style: chr5-77334996-TGCAAG-T.
Other names: c.2528_2532del, p.Pro843fs (NM_001271769.2); short protein forms P843fs, P892fs.
Identifiers: ClinVar variation 2717774 (VCV002717774.3), dbSNP rs2530812413, ClinGen allele CA2697547224.